The following is an entry in ClinVar:

NM_000138.5(FBN1):c.4832A>G (p.Gln1611Arg)

Gene: FBN1 (fibrillin 1; minus strand). Cytogenetic location: 15q21.1.
Variant type: single nucleotide variant.
Coding change: c.4832A>G on transcript NM_000138.5 (MANE Select); coding-DNA position 4832, A replaced by G.
Protein change: p.Gln1611Arg; replaces glutamine 1611 with arginine.
Molecular consequence: missense variant.
Genome position (GRCh38, 1-based): chr15:48,465,678, T>C on the plus strand (A>G on the coding strand, the complement: FBN1 is on the minus strand). VCF-style: chr15-48465678-T-C. GRCh37 (hg19) VCF-style: chr15-48757875-T-C.
Other names: short protein forms Q1611R.
Identifiers: ClinVar variation 924932 (VCV000924932.4), dbSNP rs746320943, ClinGen allele CA053870.

ClinVar aggregate classification (germline): Uncertain significance (1 of 4 stars; one submission).

Conditions:
Familial thoracic aortic aneurysm and aortic dissection (TAAD). Also called: Thoracic aortic aneurysms and dissections. Identifiers: Orphanet 91387, MedGen C4707243, MONDO:0019625.

Allele frequency attached by ClinVar (database versions not stated): gnomAD exomes below 0.00001 and 0.00001; ExAC 0.00002.
gnomAD v4.1: 2 of 1,614,106 alleles (0.00012%); highest among the groups gnomAD compares: Non-Finnish European, 0.00017%; no homozygotes.

Submission:

Color Diagnostics, LLC DBA Color Health
Classification: Uncertain significance for Familial thoracic aortic aneurysm and aortic dissection. Last evaluated: 2025-09-09. Review status: criteria provided, single submitter. Criteria: ACMG Guidelines, 2015. Collection method: clinical testing. Allele origin: germline.
Comment: This missense variant replaces glutamine with arginine at codon 1611 of the FBN1 protein. Computational prediction suggests that this variant may not impact protein structure and function. To our knowledge, functional studies have not been reported for this variant. This variant has not been reported in individuals affected with FBN1-related disorders in the literature. This variant has been identified in 2/251298 chromosomes in the general population by the Genome Aggregation Database (gnomAD). The available evidence is insufficient to determine the role of this variant in disease conclusively. Therefore, this variant is classified as a Variant of Uncertain Significance.